The following is an entry in ClinVar:

GRCh37/hg19 Xp11.4(chrX:41700325-41826061)x1

Gene: CASK (calcium/calmodulin dependent serine protein kinase; minus strand). Cytogenetic location: Xp11.4.
Variant type: copy number loss.
Change: copy number 1 of chrX:41,700,325-41,826,061 (125.7 kb, GRCh37 coordinates, 1-based), cytogenetic band Xp11.4.
Identifiers: ClinVar variation 1180515 (VCV001180515.4).

ClinVar aggregate classification (germline): Pathogenic (1 of 4 stars; one submission).

Submission:

Illumina Laboratory Services, Illumina
Classification: Pathogenic. Last evaluated: 2020-05-08. Review status: criteria provided, single submitter. Criteria: ICSL CNVClassificationCriteria Jul2020Prior. Collection method: clinical testing. Allele origin: unknown.
Comment: This CNV is a 126 kb deletion on the X chromosome at Xp11.4, (seq[GRCh37]del(X)(p11.4); chrX:g.41700325_41826061del), and was found in a de novo state. This event fully encompasses exons 1 and 2 of the CASK gene. Loss of function is an established mechanism of disease in CASK-related disorders (Rehm et al. 2015). Both partial deletions of the CASK gene as well as small nucleotide variants predicted to result in loss of function have been reported in several affected individuals described in the literature, most of whom are females reported to microcephaly with pontine and cerebellar hypoplasia (Hayashi et al. 2017; Rivas et al. 2017; Cristofoli et al. 2018). Overlapping deletions have also been reported in individuals with neurodevelopmental phenotypes in publicly available databases including ClinVar and DECIPHER and are not observed in control individuals (Firth et al. 2009; Landrum et al. 2018). Based on the collective evidence, this CNV is classified as pathogenic.

Literature cited by the submitters: PubMed 19344873; PubMed 26014595; PubMed 28783747; PubMed 28898323; PubMed 29165669; PubMed 29691940.